The following is an entry in ClinVar:

ClinVar aggregate classification (germline): Uncertain significance (1 of 4 stars; one submission).

Conditions:
Dextro-looped transposition of the great arteries. Also called: Dextrotransposition of the great arteries. Identifiers: Orphanet 860, MedGen C3531771, MONDO:0019443, OMIM 608808, HP:0031348.

Allele frequency attached by ClinVar (database versions not stated): gnomAD exomes below 0.00001; gnomAD 0.00001.
gnomAD v4.1: 2 of 1,613,772 alleles (0.00012%); highest among the groups gnomAD compares: Admixed American, 0.0033%; no homozygotes.

Submission:

Labcorp Genetics (formerly Invitae), Labcorp
Classification: Uncertain significance for Dextro-looped transposition of the great arteries. Last evaluated: 2025-09-02. Review status: criteria provided, single submitter. Criteria: Invitae Variant Classification Sherloc (09022015). Collection method: clinical testing. Allele origin: germline.
Comment: This sequence change replaces tryptophan, which is neutral and slightly polar, with glycine, which is neutral and non-polar, at codon 633 of the MED13L protein (p.Trp633Gly). This variant is not present in population databases (gnomAD no frequency). This variant has not been reported in the literature in individuals affected with MED13L-related conditions. ClinVar contains an entry for this variant (Variation ID: 2916424). Invitae Evidence Modeling of protein sequence and biophysical properties (such as structural, functional, and spatial information, amino acid conservation, physicochemical variation, residue mobility, and thermodynamic stability) indicates that this missense variant is expected to disrupt MED13L protein function with a positive predictive value of 80%. In summary, the available evidence is currently insufficient to determine the role of this variant in disease. Therefore, it has been classified as a Variant of Uncertain Significance.

NM_015335.5(MED13L):c.1897T>G (p.Trp633Gly)

Gene: MED13L (mediator complex subunit 13L; minus strand). Cytogenetic location: 12q24.21.
Variant type: single nucleotide variant.
Coding change: c.1897T>G on transcript NM_015335.5 (MANE Select); coding-DNA position 1897, T replaced by G.
Protein change: p.Trp633Gly; replaces tryptophan 633 with glycine.
Molecular consequence: missense variant.
Genome position (GRCh38, 1-based): chr12:116,008,516, A>C on the plus strand (T>G on the coding strand, the complement: MED13L is on the minus strand). VCF-style: chr12-116008516-A-C. GRCh37 (hg19) VCF-style: chr12-116446321-A-C.
Other names: short protein forms W633G.
Identifiers: ClinVar variation 2916424 (VCV002916424.3), dbSNP rs1879194923, ClinGen allele CA386895331.